The following is an entry in ClinVar:

NM_001267550.2(TTN):c.102337T>C (p.Cys34113Arg)

Genes: TTN (titin; minus strand), TTN-AS1 (TTN antisense RNA 1; plus strand). Cytogenetic location: 2q31.2.
Variant type: single nucleotide variant.
Coding change: c.102337T>C on transcript NM_001267550.2 (MANE Select); coding-DNA position 102337, T replaced by C.
Protein change: p.Cys34113Arg; replaces cysteine 34113 with arginine.
Molecular consequence: missense variant.
Genome position (GRCh38, 1-based): chr2:178,534,278, A>G on the plus strand (T>C on the coding strand, the complement: TTN is on the minus strand). VCF-style: chr2-178534278-A-G. GRCh37 (hg19) VCF-style: chr2-179399005-A-G.
Other names: c.97414T>C, p.Cys32472Arg (NM_001256850.1); c.75142T>C, p.Cys25048Arg (NM_003319.4); c.94633T>C, p.Cys31545Arg (NM_133378.4); c.75517T>C, p.Cys25173Arg (NM_133432.3); c.75718T>C, p.Cys25240Arg (NM_133437.4); short protein forms C25048R, C31545R, C25240R, C32472R, C34113R, C25173R.
Identifiers: ClinVar variation 4794071 (VCV004794071.1).
Genomic context (GRCh38, chr2:178,534,278, plus strand): 5'-TGGATGCCACTTTAACTTTAGCAACACTCACTCCCTTCTGAGATCGAATTGCACCACCAC[A>G]GGAGATCCGGGCTGCTGACACAACCATGTTGAGGTCTTTCTTGATCAGGGTGTGGTAATA-3'
Protein context (NP_001254479.2, residues 34103-34123): NMVVSAARIS[Cys34113Arg]GGAIRSQKGV

ClinVar aggregate classification (germline): Uncertain significance (1 of 4 stars; one submission).

Conditions:
Autosomal recessive limb-girdle muscular dystrophy type 2J (LGMDR10). Also called: MUSCULAR DYSTROPHY, LIMB-GIRDLE, AUTOSOMAL RECESSIVE 10; Limb-girdle muscular dystrophy, type 2J. Identifiers: Orphanet 140922, MedGen C1837342, MONDO:0012127, OMIM 608807.
Dilated cardiomyopathy 1G (CMD1G). Identifiers: Orphanet 154, MedGen C1858763, MONDO:0011400, OMIM 604145.

Submission:

Labcorp Genetics (formerly Invitae), Labcorp
Classification: Uncertain significance for Dilated cardiomyopathy 1G; Autosomal recessive limb-girdle muscular dystrophy type 2J. Last evaluated: 2025-05-04. Review status: criteria provided, single submitter. Criteria: Invitae Variant Classification Sherloc (09022015). Collection method: clinical testing. Allele origin: germline.
Comment: This sequence change replaces cysteine, which is neutral and slightly polar, with arginine, which is basic and polar, at codon 34113 of the TTN protein (p.Cys34113Arg). This variant is not present in population databases (gnomAD no frequency). This variant has not been reported in the literature in individuals affected with TTN-related conditions. Experimental studies and prediction algorithms are not available or were not evaluated, and the functional significance of this variant is currently unknown. This variant is located in the M band of TTN (PMID: 25589632). Non-truncating variants in this region may be relevant for neuromuscular disorders, but have not been definitively shown to cause cardiomyopathy (PMID: 23975875). In summary, the available evidence is currently insufficient to determine the role of this variant in disease. Therefore, it has been classified as a Variant of Uncertain Significance.

Literature cited by the submitters: PubMed 25589632; PubMed 23975875.